The following is an entry in ClinVar:

ClinVar aggregate classification (germline): Uncertain significance (1 of 4 stars; one submission).

Conditions:
Oxoglutaricaciduria. Identifiers: Orphanet 31, MedGen C2752074, MONDO:0008759, OMIM 203740.

Submission:

Labcorp Genetics (formerly Invitae), Labcorp
Classification: Uncertain significance for Oxoglutaricaciduria. Last evaluated: 2019-09-29. Review status: criteria provided, single submitter. Criteria: Invitae Variant Classification Sherloc (09022015). Collection method: clinical testing. Allele origin: germline.
Comment: This sequence change replaces valine with leucine at codon 302 of the OGDH protein (p.Val302Leu). The valine residue is highly conserved and there is a small physicochemical difference between valine and leucine. This variant is not present in population databases (ExAC no frequency). This variant has not been reported in the literature in individuals with OGDH-related conditions. Algorithms developed to predict the effect of missense changes on protein structure and function are either unavailable or do not agree on the potential impact of this missense change (SIFT: "Deleterious"; PolyPhen-2: "Benign"; Align-GVGD: "Class C25"). In summary, the available evidence is currently insufficient to determine the role of this variant in disease. Therefore, it has been classified as a Variant of Uncertain Significance.

NM_002541.4(OGDH):c.904G>C (p.Val302Leu)

Gene: OGDH (oxoglutarate dehydrogenase; plus strand). Cytogenetic location: 7p13.
Variant type: single nucleotide variant.
Coding change: c.904G>C on transcript NM_002541.4 (MANE Select); coding-DNA position 904, G replaced by C.
Protein change: p.Val302Leu; replaces valine 302 with leucine.
Molecular consequence: missense variant.
Genome position (GRCh38, 1-based): chr7:44,674,526, G>C. VCF-style: chr7-44674526-G-C. GRCh37 (hg19) VCF-style: chr7-44714125-G-C.
Other names: c.904G>C, p.Val302Leu (NM_001003941.3); c.892G>C, p.Val298Leu (NM_001165036.2); c.937G>C, p.Val313Leu (NM_001363523.2); short protein forms V302L, V313L, V298L.
Identifiers: ClinVar variation 943397 (VCV000943397.10), dbSNP rs775737016, ClinGen allele CA367410302.